The following is an entry in ClinVar:

NM_000231.3(SGCG):c.137T>G (p.Ile46Ser)

Gene: SGCG (sarcoglycan gamma; plus strand). Cytogenetic location: 13q12.12.
Variant type: single nucleotide variant.
Coding change: c.137T>G on transcript NM_000231.3 (MANE Select); coding-DNA position 137, T replaced by G.
Protein change: p.Ile46Ser; replaces isoleucine 46 with serine.
Molecular consequence: missense variant.
Genome position (GRCh38, 1-based): chr13:23,203,831, T>G. VCF-style: chr13-23203831-T-G. GRCh37 (hg19) VCF-style: chr13-23777970-T-G.
Other names: c.191T>G, p.Ile64Ser (NM_001378244.1); c.137T>G, p.Ile46Ser (NM_001378245.1, NM_001378246.1); short protein forms I46S, I64S.
Identifiers: ClinVar variation 1362389 (VCV001362389.4), dbSNP rs1019389043, ClinGen allele CA246629015.

ClinVar aggregate classification (germline): Uncertain significance (1 of 4 stars; one submission).

Conditions:
Autosomal recessive limb-girdle muscular dystrophy type 2C (LGMDR5). Also called: MUSCULAR DYSTROPHY, DUCHENNE-LIKE; MUSCULAR DYSTROPHY, LIMB-GIRDLE, AUTOSOMAL RECESSIVE 5. Identifiers: Orphanet 353, MedGen C0410173, MONDO:0009677, OMIM 253700. Disease mechanism: Affects gamma-sarcoglycan and also disrupts the integrity of the entire sarcoglycan complex..

Allele frequency attached by ClinVar (database versions not stated): gnomAD exomes below 0.00001; gnomAD 0.00001; TOPMed 0.00001.
gnomAD v4.1: 4 of 1,614,006 alleles (0.00025%); highest among the groups gnomAD compares: Admixed American, 0.0067%; no homozygotes.

Submission:

Labcorp Genetics (formerly Invitae), Labcorp
Classification: Uncertain significance for Autosomal recessive limb-girdle muscular dystrophy type 2C. Last evaluated: 2024-01-08. Review status: criteria provided, single submitter. Criteria: Invitae Variant Classification Sherloc (09022015). Collection method: clinical testing. Allele origin: germline.
Comment: This sequence change replaces isoleucine, which is neutral and non-polar, with serine, which is neutral and polar, at codon 46 of the SGCG protein (p.Ile46Ser). The frequency data for this variant in the population databases is considered unreliable, as metrics indicate poor data quality at this position in the gnomAD database. This variant has not been reported in the literature in individuals affected with SGCG-related conditions. ClinVar contains an entry for this variant (Variation ID: 1362389). Advanced modeling of protein sequence and biophysical properties (such as structural, functional, and spatial information, amino acid conservation, physicochemical variation, residue mobility, and thermodynamic stability) performed at Invitae indicates that this missense variant is expected to disrupt SGCG protein function with a positive predictive value of 80%. In summary, the available evidence is currently insufficient to determine the role of this variant in disease. Therefore, it has been classified as a Variant of Uncertain Significance.